The following is an entry in ClinVar:

ClinVar aggregate classification (germline): Pathogenic (0 of 4 stars; one submission).

Conditions:
Syndromic intellectual disability. Also called: Intellectual disability syndrome. Identifiers: Orphanet 183763, MedGen C5680525, MONDO:0000508.

Submission:

Wilkie Group, Clinical Genetics Lab, WIMM, University of Oxford
Classification: Pathogenic for Syndromic intellectual disability. Last evaluated: 2021-01-01. Review status: no assertion criteria provided. Collection method: clinical testing. Allele origin: inherited. Affected: yes.

NC_000019.10:g.41983952_42247520del

Genes: ATP1A3 (ATPase Na+/K+ transporting subunit alpha 3; minus strand), DEDD2 (death effector domain containing 2; minus strand), GRIK5 (glutamate ionotropic receptor kainate type subunit 5; minus strand), GSK3A (glycogen synthase kinase 3 alpha; minus strand), LNROP (long non-coding regulator of POU2F2; plus strand) and 30 more. Cytogenetic location: 19q13.2.
Variant type: Deletion.
Identifiers: ClinVar variation 1064658 (VCV001064658.2).